The following is an entry in ClinVar:

ClinVar aggregate classification (germline): Uncertain significance (1 of 4 stars; one submission).

Conditions:
GNAS-related disorder. Identifiers: MedGen CN380105.

gnomAD v4.1: 1 of 1,552,298 alleles (0.000064%); no homozygotes.

Submission:

PreventionGenetics, part of Exact Sciences
Classification: Uncertain significance for GNAS-related condition. Last evaluated: 2024-12-14. Review status: criteria provided, single submitter. Criteria: ACMG Guidelines, 2015. Collection method: clinical testing. Allele origin: germline.
Comment: The GNAS c.527A>G variant is predicted to result in the amino acid substitution p.Gln176Arg. To our knowledge, this variant has not been reported in the literature. This variant is reported in 0.0029% of alleles in individuals of Latino descent in gnomAD. At this time, the clinical significance of this variant is uncertain due to the absence of conclusive functional and genetic evidence.

NM_000516.7(GNAS):c.527A>G (p.Gln176Arg)

Gene: GNAS (GNAS complex locus; plus strand). Cytogenetic location: 20q13.32.
Variant type: single nucleotide variant.
Coding change: c.527A>G on transcript NM_000516.7 (MANE Select); coding-DNA position 527, A replaced by G.
Protein change: p.Gln176Arg; replaces glutamine 176 with arginine.
Molecular consequence: missense variant. On other transcripts: 3 prime UTR variant (2).
Genome position (GRCh38, 1-based): chr20:58,905,477, A>G. VCF-style: chr20-58905477-A-G. GRCh37 (hg19) VCF-style: chr20-57480532-A-G.
Other names: c.530A>G, p.Gln177Arg (NM_001077488.5); c.482A>G, p.Gln161Arg (NM_001077489.4); c.*388A>G (NM_001077490.3); c.350A>G, p.Gln117Arg (NM_001309840.2, NM_001309861.2, NM_001438276.1 and 1 more transcripts); c.431A>G, p.Gln144Arg (NM_001410912.1); c.2411A>G, p.Gln804Arg (NM_001410913.1); c.305A>G, p.Gln102Arg (NM_001438273.1, NM_001438274.1, NM_001438275.1); c.*433A>G (NM_016592.5); and 2 more; short protein forms Q102R, Q117R, Q176R, Q144R, Q804R, Q161R, Q162R, Q177R.
Identifiers: ClinVar variation 4983236 (VCV004983236.1).